The following is an entry in ClinVar:

NM_000275.3(OCA2):c.2425T>C (p.Phe809Leu)

Gene: OCA2 (OCA2 melanosomal transmembrane protein; minus strand). Cytogenetic location: 15q13.1.
Variant type: single nucleotide variant.
Coding change: c.2425T>C on transcript NM_000275.3 (MANE Select); coding-DNA position 2425, T replaced by C.
Protein change: p.Phe809Leu; replaces phenylalanine 809 with leucine.
Molecular consequence: missense variant.
Genome position (GRCh38, 1-based): chr15:27,844,966, A>G on the plus strand (T>C on the coding strand, the complement: OCA2 is on the minus strand). VCF-style: chr15-27844966-A-G. GRCh37 (hg19) VCF-style: chr15-28090112-A-G.
Other names: c.2353T>C, p.Phe785Leu (NM_001300984.2); short protein forms F809L, F785L.
Identifiers: ClinVar variation 423583 (VCV000423583.2), dbSNP rs765779905, ClinGen allele CA16619913.

ClinVar aggregate classification (germline): Uncertain significance (1 of 4 stars; one submission).

Submission:

GeneDx
Classification: Uncertain significance. Last evaluated: 2017-02-20. Review status: criteria provided, single submitter. Criteria: GeneDx Variant Classification (06012015). Collection method: clinical testing. Allele origin: germline. Affected: yes.
Comment: The F809L variant in the OCA2 gene has not been reported previously as a pathogenic variant, nor as a benign variant, to our knowledge. The F809L variant is not observed in large population cohorts (Lek et al., 2016; 1000 Genomes Consortium et al., 2015; Exome Variant Server). The F809L variant is a conservative amino acid substitution, which occurs at a position that is conserved across species. In addition, in silico analysis predicts this variant is probably damaging to the protein structure/function. We interpret F809L as a variant of uncertain significance.